The following is an entry in ClinVar:

ClinVar aggregate classification (germline): Likely pathogenic (0 of 4 stars; one submission).

Conditions:
ACAN-related disorder. Also called: ACAN-related disorders; ACAN-related condition.

Submission:

PreventionGenetics, part of Exact Sciences
Classification: Likely pathogenic for ACAN-related condition. Last evaluated: 2023-12-01. Review status: no assertion criteria provided. Collection method: clinical testing. Allele origin: germline.
Comment: The ACAN c.936delC variant is predicted to result in a frameshift and premature protein termination (p.Lys313Argfs*13). To our knowledge, this variant has not been reported in the literature or in a large population database, indicating this variant is rare. Frameshift variants in ACAN are expected to be pathogenic. This variant is interpreted as likely pathogenic.

NM_001369268.1(ACAN):c.936del (p.Lys313fs)

Gene: ACAN (aggrecan; plus strand). Cytogenetic location: 15q26.1.
Variant type: Deletion.
Coding change: c.936del on transcript NM_001369268.1 (MANE Select); coding-DNA position 936, one base deleted (C; older notation c.936delC).
Protein change: p.Lys313fs; shifts the reading frame from lysine 313.
Molecular consequence: frameshift variant.
Genome position (GRCh38, 1-based): chr15:88,843,533, C deleted; the last of 2 consecutive C bases (chr15:88,843,532-88,843,533); deleting either gives the same sequence. VCF-style (leftmost placement, unchanged base first): chr15-88843531-TC-T. GRCh37 (hg19) VCF-style: chr15-89386762-TC-T.
Other names: c.936del, p.Lys313fs (NM_001135.4, NM_001411096.1, NM_001411097.1 and 1 more transcripts); short protein forms K313fs.
Identifiers: ClinVar variation 3030075 (VCV003030075.2), dbSNP rs2505251299, ClinGen allele CA2740096747.